The following is an entry in ClinVar:

NM_018847.4(KLHL9):c.61G>T (p.Ala21Ser)

Gene: KLHL9 (kelch like family member 9; minus strand). Cytogenetic location: 9p21.3.
Variant type: single nucleotide variant.
Coding change: c.61G>T on transcript NM_018847.4 (MANE Select); coding-DNA position 61, G replaced by T.
Protein change: p.Ala21Ser; replaces alanine 21 with serine.
Molecular consequence: missense variant.
Genome position (GRCh38, 1-based): chr9:21,334,799, C>A on the plus strand (G>T on the coding strand, the complement: KLHL9 is on the minus strand). VCF-style: chr9-21334799-C-A. GRCh37 (hg19) VCF-style: chr9-21334798-C-A.
Other names: short protein forms A21S.
Identifiers: ClinVar variation 2908983 (VCV002908983.3), dbSNP rs781577960, ClinGen allele CA5010706.

ClinVar aggregate classification (germline): Uncertain significance (1 of 4 stars; one submission).

Allele frequency attached by ClinVar (database versions not stated): ExAC 0.00002; gnomAD exomes 0.00002.
gnomAD v4.1: 26 of 1,613,232 alleles (0.0016%); highest among the groups gnomAD compares: South Asian, 0.024%; no homozygotes.

Submission:

Labcorp Genetics (formerly Invitae), Labcorp
Classification: Uncertain significance. Last evaluated: 2024-01-05. Review status: criteria provided, single submitter. Criteria: Invitae Variant Classification Sherloc (09022015). Collection method: clinical testing. Allele origin: germline.
Comment: This sequence change replaces alanine, which is neutral and non-polar, with serine, which is neutral and polar, at codon 21 of the KLHL9 protein (p.Ala21Ser). This variant is present in population databases (rs781577960, gnomAD 0.007%). This variant has not been reported in the literature in individuals affected with KLHL9-related conditions. An algorithm developed to predict the effect of missense changes on protein structure and function (PolyPhen-2) suggests that this variant is likely to be tolerated. In summary, the available evidence is currently insufficient to determine the role of this variant in disease. Therefore, it has been classified as a Variant of Uncertain Significance.